The following is an entry in ClinVar:

ClinVar aggregate classification (germline): Uncertain significance. Review status: criteria provided, multiple submitters, no conflicts (2 of 4 stars). 3 submissions from 3 submitters: Uncertain significance (3). Last evaluated 2025-05-01.

Allele frequency attached by ClinVar (database versions not stated): gnomAD exomes below 0.00001; TOPMed below 0.00001.
gnomAD v4.1: 3 of 1,614,182 alleles (0.00019%); highest among the groups gnomAD compares: Non-Finnish European, 0.00025%; no homozygotes.

Submissions (3):

ARUP Laboratories, Molecular Genetics and Genomics, ARUP Laboratories
Classification: Uncertain significance. Last evaluated: 2025-05-01. Review status: criteria provided, single submitter. Criteria: ARUP Molecular Germline Variant Investigation Process 2024. Collection method: clinical testing. Allele origin: germline.
Comment: The GRIN2B c.3890A>G; p.Lys1297Arg variant (rs916745822), to our knowledge, is not reported in the medical literature but is reported in ClinVar (Variation ID: 806834). This variant is also absent from the Genome Aggregation Database (v2.1.1), indicating it is not a common polymorphism. Computational analyses predict that this variant is neutral (REVEL: 0.044). Due to limited information, the clinical significance of this variant is uncertain at this time.

GeneDx
Classification: Uncertain significance. Last evaluated: 2024-11-27. Review status: criteria provided, single submitter. Criteria: GeneDx Variant Classification Process June 2021. Collection method: clinical testing. Allele origin: germline. Affected: yes.
Comment: In silico analysis, which includes protein predictors and evolutionary conservation, supports that this variant does not alter protein structure/function; Has not been previously published as pathogenic or benign to our knowledge

CeGaT Center for Human Genetics Tuebingen
Classification: Uncertain significance. Last evaluated: 2019-01-01. Review status: criteria provided, single submitter. Criteria: CeGaT Center For Human Genetics Tuebingen Variant Classification Criteria Version 2. Collection method: clinical testing. Allele origin: germline. Affected: yes. Observed: 1 variant allele.

NM_000834.5(GRIN2B):c.3890A>G (p.Lys1297Arg)

Gene: GRIN2B (glutamate ionotropic receptor NMDA type subunit 2B; minus strand). Cytogenetic location: 12p13.1.
Variant type: single nucleotide variant.
Coding change: c.3890A>G on transcript NM_000834.5 (MANE Select); coding-DNA position 3890, A replaced by G.
Protein change: p.Lys1297Arg; replaces lysine 1297 with arginine.
Molecular consequence: missense variant.
Genome position (GRCh38, 1-based): chr12:13,563,348, T>C on the plus strand (A>G on the coding strand, the complement: GRIN2B is on the minus strand). VCF-style: chr12-13563348-T-C. GRCh37 (hg19) VCF-style: chr12-13716282-T-C.
Other names: short protein forms K1297R.
Identifiers: ClinVar variation 806834 (VCV000806834.46), dbSNP rs916745822, ClinGen allele CA233133184.